The following is an entry in ClinVar:

ClinVar aggregate classification (germline): Uncertain significance (1 of 4 stars; one submission).

Conditions:
Centromeric instability of chromosomes 1,9 and 16 and immunodeficiency (ICF1). Also called: Immunodeficiency-centromeric instability-facial anomalies; IMMUNE DEFICIENCY, VARIABLE, WITH CENTROMERIC INSTABILITY OF CHROMOSOMES 1, 9, AND 16; IMMUNODEFICIENCY SYNDROME, VARIABLE; CENTROMERIC INSTABILITY, IMMUNODEFICIENCY SYNDROME. Identifiers: Orphanet 2268, MedGen C0398788, MONDO:0000133.

Allele frequency attached by ClinVar (database versions not stated): TOPMed below 0.00001.
gnomAD v4.1: 23 of 1,614,166 alleles (0.0014%); highest among the groups gnomAD compares: Non-Finnish European, 0.0019%; no homozygotes.

Submission:

Labcorp Genetics (formerly Invitae), Labcorp
Classification: Uncertain significance for Centromeric instability of chromosomes 1,9 and 16 and immunodeficiency. Last evaluated: 2024-10-16. Review status: criteria provided, single submitter. Criteria: Invitae Variant Classification Sherloc (09022015). Collection method: clinical testing. Allele origin: germline.
Comment: This sequence change affects codon 407 of the DNMT3B mRNA. It is a 'silent' change, meaning that it does not change the encoded amino acid sequence of the DNMT3B protein. This variant is not present in population databases (gnomAD no frequency). This variant has not been reported in the literature in individuals affected with DNMT3B-related conditions. ClinVar contains an entry for this variant (Variation ID: 638956). Algorithms developed to predict the effect of sequence changes on RNA splicing suggest that this variant may create or strengthen a splice site. In summary, the available evidence is currently insufficient to determine the role of this variant in disease. Therefore, it has been classified as a Variant of Uncertain Significance.

NM_006892.4(DNMT3B):c.1221C>T (p.Gly407=)

Gene: DNMT3B (DNA methyltransferase 3 beta; plus strand). Cytogenetic location: 20q11.21.
Variant type: single nucleotide variant.
Coding change: c.1221C>T on transcript NM_006892.4 (MANE Select); coding-DNA position 1221, C replaced by T.
Protein change: p.Gly407=; no amino-acid change (glycine 407 retained).
Molecular consequence: synonymous variant.
Genome position (GRCh38, 1-based): chr20:32,795,503, C>T. VCF-style: chr20-32795503-C-T. GRCh37 (hg19) VCF-style: chr20-31383309-C-T.
Other names: c.1035C>T, p.Gly345= (NM_001207055.2); c.933C>T, p.Gly311= (NM_001207056.2); c.1161C>T, p.Gly387= (NM_175848.2, NM_175849.2); c.1197C>T, p.Gly399= (NM_175850.3).
Identifiers: ClinVar variation 638956 (VCV000638956.10), dbSNP rs761609426, ClinGen allele CA510208905.